The following is an entry in ClinVar:

NM_000642.3(AGL):c.4352G>T (p.Trp1451Leu)

Gene: AGL (amylo-alpha-1,6-glucosidase and 4-alpha-glucanotransferase; plus strand). Cytogenetic location: 1p21.2.
Variant type: single nucleotide variant.
Coding change: c.4352G>T on transcript NM_000642.3 (MANE Select); coding-DNA position 4352, G replaced by T.
Protein change: p.Trp1451Leu; replaces tryptophan 1451 with leucine.
Molecular consequence: missense variant.
Genome position (GRCh38, 1-based): chr1:99,916,602, G>T. VCF-style: chr1-99916602-G-T. GRCh37 (hg19) VCF-style: chr1-100382158-G-T.
Other names: c.4352G>T, p.Trp1451Leu (NM_000028.3, NM_000643.3, NM_000644.3 and 1 more transcripts); c.4304G>T, p.Trp1435Leu (NM_000646.3); c.4331G>T, p.Trp1444Leu (NM_001425326.1); c.4151G>T, p.Trp1384Leu (NM_001425327.1); c.4148G>T, p.Trp1383Leu (NM_001425328.1); c.4013G>T, p.Trp1338Leu (NM_001425329.1); c.3974G>T, p.Trp1325Leu (NM_001425332.1); short protein forms W1325L, W1338L, W1383L, W1384L, W1435L, W1444L, W1451L.
Identifiers: ClinVar variation 4849716 (VCV004849716.1).
Genomic context (GRCh38, chr1:99,916,602, plus strand): 5'-TCAAGTAATTTTTAGGTATTTATGGTTTTTTTTGTCTTTTAAATAATCTTTTTTAGGAGT[G>T]GCTGTGGCCTATTGGGTATTTTCTTCGTGCAAAATTATATTTTTCCAGATTGATGGGCCC-3'
Protein context (NP_000633.2, residues 1441-1461): KGFNYHQGPE[Trp1451Leu]LWPIGYFLRA

ClinVar aggregate classification (germline): Likely pathogenic (1 of 4 stars; one submission).

Conditions:
Glycogen storage disease type III (GSD3). Also called: Cori disease; FORBES DISEASE. Identifiers: Orphanet 366, MedGen C0017922, MONDO:0009291, OMIM 232400.

Submission:

Diagnostics Services (NGS), CSIR - Centre For Cellular And Molecular Biology
Classification: Likely pathogenic for Glycogen storage disease type III. Last evaluated: 2026-01-29. Review status: criteria provided, single submitter. Criteria: ACMG Guidelines, 2015. Collection method: clinical testing. Allele origin: germline. Affected: yes. Observed: 1 variant allele, 1 heterozygote.
Comment: The c.4352G>T variant is not present in 1000 Genomes, EVS, gnomAD, Indian Exome Database or in our internal database. This variant has neither been published in the literature for AGL-related conditions nor reported to clinical databases like HGMD, OMIM, or ClinVar in any affected individuals. In-silico pathogenicity prediction programs like SIFT, Polephen-2, MutationTaster2, CADD, Franklin etc predicted this variant to be likely deleterious, however these predictions were not confirmed by published functional studies. A different amino acid change in the same codon (Trp1451Cys) has been previously observed in individuals affected with AGL-related conditions [PMID: 27629047, 32222031] and reported to the clinical databases as ‘Pathogenic/Likely pathogenic’ by multiple submitters.

Literature cited by the submitters: PubMed 27629047; PubMed 32222031.